The following is an entry in ClinVar:

ClinVar aggregate classification (germline): Pathogenic (1 of 4 stars; one submission).

Submission:

Labcorp Genetics (formerly Invitae), Labcorp
Classification: Pathogenic. Last evaluated: 2025-07-27. Review status: criteria provided, single submitter. Criteria: Invitae Variant Classification Sherloc (09022015). Collection method: clinical testing. Allele origin: germline.
Comment: This sequence change creates a premature translational stop signal (p.Ala2679Aspfs*2) in the ZNF469 gene. While this is not anticipated to result in nonsense mediated decay, it is expected to disrupt the last 1247 amino acid(s) of the ZNF469 protein. This variant is not present in population databases (gnomAD no frequency). This variant has not been reported in the literature in individuals affected with ZNF469-related conditions. This variant disrupts a region of the ZNF469 protein in which other variant(s) (p.Glu3553*) have been determined to be pathogenic (internal data). This suggests that this is a clinically significant region of the protein, and that variants that disrupt it are likely to be disease-causing. For these reasons, this variant has been classified as Pathogenic.

NM_001367624.2(ZNF469):c.8120_8124del (p.Ala2707fs)

Gene: ZNF469 (zinc finger protein 469; plus strand). Cytogenetic location: 16q24.2.
Variant type: Deletion.
Coding change: c.8120_8124del on transcript NM_001367624.2 (MANE Select); coding-DNA positions 8120 to 8124, 5 bases deleted (CGGAG; older notation c.8120_8124delCGGAG).
Protein change: p.Ala2707fs; shifts the reading frame from alanine 2707.
Molecular consequence: frameshift variant.
Genome position (GRCh38, 1-based): chr16:88,435,590-88,435,594, CGGAG deleted; deleting any 5 consecutive bases within chr16:88,435,588-88,435,594 gives the same sequence; the c. name uses the placement nearest the transcript's 3' end. VCF-style (leftmost placement, unchanged base first): chr16-88435587-CAGCGG-C. GRCh37 (hg19) VCF-style: chr16-88501995-CAGCGG-C.
Other names: short protein forms A2707fs.
Identifiers: ClinVar variation 4723630 (VCV004723630.1).